The following is an entry in ClinVar:

ClinVar aggregate classification (germline): Likely benign. Review status: criteria provided, multiple submitters, no conflicts (2 of 4 stars). 2 submissions from 2 submitters: Likely benign (2). Last evaluated 2025-03-18.

Conditions:
COG4-congenital disorder of glycosylation. Also called: COG4-CDG; CONGENITAL DISORDER OF GLYCOSYLATION, TYPE IIj; CDG IIj. Identifiers: Orphanet 263501, MedGen C4303552, MONDO:0013281, OMIM 613489.

Allele frequency attached by ClinVar (database versions not stated): ExAC 0.00006; TOPMed 0.00006; gnomAD 0.00009 and 0.00013; ESP Exome Variant Server 0.00015.

Submissions (2):

Labcorp Genetics (formerly Invitae), Labcorp
Classification: Likely benign for COG4-congenital disorder of glycosylation. Last evaluated: 2025-03-18. Review status: criteria provided, single submitter. Criteria: Invitae Variant Classification Sherloc (09022015). Collection method: clinical testing. Allele origin: germline.

GeneDx
Classification: Likely benign. Last evaluated: 2016-08-01. Review status: criteria provided, single submitter. Criteria: GeneDx Variant Classification (06012015). Collection method: clinical testing. Allele origin: germline. Affected: yes.
Comment: This variant is considered likely benign or benign based on one or more of the following criteria: it is a conservative change, it occurs at a poorly conserved position in the protein, it is predicted to be benign by multiple in silico algorithms, and/or has population frequency not consistent with disease.

NM_015386.3(COG4):c.369+13G>T

Gene: COG4 (component of oligomeric golgi complex 4; minus strand). Cytogenetic location: 16q22.1.
Variant type: single nucleotide variant.
Coding change: c.369+13G>T on transcript NM_015386.3 (MANE Select); 13 bases into the intron after coding-DNA position 369, G replaced by T.
Molecular consequence: intron variant.
Genome position (GRCh38, 1-based): chr16:70,517,613, C>A on the plus strand (G>T on the coding strand, the complement: COG4 is on the minus strand). VCF-style: chr16-70517613-C-A. GRCh37 (hg19) VCF-style: chr16-70551516-C-A.
Other names: c.357+13G>T (NM_001195139.2); c.-231+13G>T (NM_001365426.1).
Identifiers: ClinVar variation 380205 (VCV000380205.4), dbSNP rs199761750, ClinGen allele CA8144720.
Genomic context (GRCh38, chr16:70,517,613, plus strand): 5'-ACTCCAGCCTAGGTGACAGAGCAAGACCCTGTCTCAAAAAAAAAAAAAAAAAAAAAAAAG[C>A]TTGATGTATTACCTTGGCCAGGTCAAGCTGACGAACTTTGCTGGACACATTCTCAGCCAG-3'